The following is an entry in ClinVar:

NM_005228.5(EGFR):c.802A>G (p.Met268Val)

Gene: EGFR (epidermal growth factor receptor; plus strand). Cytogenetic location: 7p11.2.
Variant type: single nucleotide variant.
Coding change: c.802A>G on transcript NM_005228.5 (MANE Select); coding-DNA position 802, A replaced by G.
Protein change: p.Met268Val; replaces methionine 268 with valine.
Molecular consequence: missense variant. On other transcripts: intron variant (1).
Genome position (GRCh38, 1-based): chr7:55,154,065, A>G. VCF-style: chr7-55154065-A-G. GRCh37 (hg19) VCF-style: chr7-55221758-A-G.
Other names: c.667A>G, p.Met223Val (NM_001346897.2, NM_001346899.2); c.802A>G, p.Met268Val (NM_001346898.2, NM_201282.2, NM_201283.2 and 1 more transcripts); c.643A>G, p.Met215Val (NM_001346900.2); c.89-1765A>G (NM_001346941.2); short protein forms M223V, M268V, M215V.
Identifiers: ClinVar variation 2093012 (VCV002093012.1), dbSNP rs2128934965, ClinGen allele CA367577699.

ClinVar aggregate classification (germline): Uncertain significance (1 of 4 stars; one submission).

Conditions:
EGFR-related lung cancer (EGFR). Identifiers: MedGen CN130014.

Submission:

Labcorp Genetics (formerly Invitae), Labcorp
Classification: Uncertain significance for EGFR-related lung cancer. Last evaluated: 2022-02-04. Review status: criteria provided, single submitter. Criteria: Invitae Variant Classification Sherloc (09022015). Collection method: clinical testing. Allele origin: germline.
Comment: This sequence change replaces methionine, which is neutral and non-polar, with valine, which is neutral and non-polar, at codon 268 of the EGFR protein (p.Met268Val). This variant is not present in population databases (gnomAD no frequency). This variant has not been reported in the literature in individuals affected with EGFR-related conditions. Algorithms developed to predict the effect of missense changes on protein structure and function (SIFT, PolyPhen-2, Align-GVGD) all suggest that this variant is likely to be tolerated. In summary, the available evidence is currently insufficient to determine the role of this variant in disease. Therefore, it has been classified as a Variant of Uncertain Significance.